The following is an entry in ClinVar:

NM_000232.5(SGCB):c.-10_22dup (p.Ala8fs)

Genes: SGCB (sarcoglycan beta; minus strand), LOC129992585 (ATAC-STARR-seq lymphoblastoid silent region 15421; plus strand). Cytogenetic location: 4q12.
Variant type: Duplication.
Coding change: c.-10_22dup on transcript NM_000232.5 (MANE Select); 10 bases upstream of the start codon through coding-DNA position 22, 32 bases duplicated.
Protein change: p.Ala8fs; shifts the reading frame from alanine 8.
Molecular consequence: frameshift variant, initiator codon variant.
Genome position (GRCh38, 1-based): chr4:52,038,238-52,038,269, 32 bases duplicated; duplicating any 32 consecutive bases within chr4:52,038,238-52,038,281 gives the same sequence; the c. name uses the placement nearest the transcript's 3' end. GRCh37 (hg19): chr4:52,904,416-52,904,447.
Other names: c.-10_22dup32 (NM_000232.4, NM_000232.5); c.-10_22dupGCGCGGGAAGATGGCGGCAGCGGCGGCGGCGG (NM_000232.5, NM_000232.4); short protein forms A8fs.
Identifiers: ClinVar variation 466601 (VCV000466601.25), dbSNP rs1553940963, ClinGen allele CA658657385.

ClinVar aggregate classification (germline): Conflicting classifications of pathogenicity. Review status: criteria provided, conflicting classifications (1 of 4 stars). 9 submissions from 9 submitters: Pathogenic (4); Likely pathogenic (4); Uncertain significance (1). Last evaluated 2026-01-18.

Conditions:
SGCB-related disorder. Also called: SGCB-related condition.
Autosomal recessive limb-girdle muscular dystrophy. Identifiers: Orphanet 102015, MedGen C2931907, MONDO:0015152.
Autosomal recessive limb-girdle muscular dystrophy type 2E (LGMDR4). Also called: MUSCULAR DYSTROPHY, LIMB-GIRDLE, AUTOSOMAL RECESSIVE 4. Identifiers: Orphanet 119, MedGen C1858593, MONDO:0011423, OMIM 604286. Disease mechanism: Affects gamma-sarcoglycan and also disrupts the integrity of the entire sarcoglycan complex..

Submissions (9):

Labcorp Genetics (formerly Invitae), Labcorp
Classification: Pathogenic for Autosomal recessive limb-girdle muscular dystrophy type 2E. Last evaluated: 2026-01-18. Review status: criteria provided, single submitter. Criteria: Invitae Variant Classification Sherloc (09022015). Collection method: clinical testing. Allele origin: germline.
Comment: This variant occurs in a non-coding region of the SGCB gene. It may leave the encoded amino acid sequence of the SGCB protein unchanged or may create a premature translational stop signal (p.Ala8Glyfs*22). This variant is not present in population databases (gnomAD no frequency). This variant has been observed in individual(s) with clinical features of limb-girdle muscular dystrophy (PMID: 12746421, 25862795; internal data). This variant is also known as c.-10_22dup (Non-coding), –22+10dup, and PTC+25aa. ClinVar contains an entry for this variant (Variation ID: 466601). Studies have shown that this variant alters SGCB gene expression (PMID: 25862795). For these reasons, this variant has been classified as Pathogenic.

Women's Health and Genetics/Laboratory Corporation of America, LabCorp
Classification: Pathogenic for Autosomal recessive limb-girdle muscular dystrophy. Last evaluated: 2025-10-06. Review status: criteria provided, single submitter. Criteria: LabCorp Variant Classification Summary - May 2015. Collection method: clinical testing. Allele origin: germline.
Comment: Variant summary: SGCB c.-10_22dup32 is located in the untranslated mRNA region upstream of the initiation codon. The variant was absent in 37246 control chromosomes. c.-10_22dup32 has been reported in the literature in multiple individuals affected with mild Limb-Girdle Muscular Dystrophy in homozygous state (Boito_2003, Semplicini_2015). These data indicate that the variant is likely to be associated with disease. This variant is predicted to result in p.Ala8Glyfs*22 if the first initiation codon is utilized for translation. However, biochemical data of residual sarcoglycan expression in skeletal muscle and mild phenotype in variant carriers suggest that the second initiation codon in the mutant gene may also be utilized, which results in a normal protein (Semplicini_2015). To our knowledge, no experimental evidence demonstrating an impact on protein function has been reported. The following publications have been ascertained in the context of this evaluation (PMID: 12746421, 25862795). ClinVar contains an entry for this variant (Variation ID: 466601). Based on the evidence outlined above, the variant was classified as pathogenic.

Variantyx, Inc.
Classification: Likely pathogenic for Autosomal recessive limb-girdle muscular dystrophy type 2E. Last evaluated: 2025-07-16. Review status: criteria provided, single submitter. Criteria: Variantyx Assertion Criteria 2022. Collection method: clinical testing. Allele origin: germline. Inheritance: Autosomal recessive inheritance. Affected: no.
Comment: This is a frameshift variant in the SGCB gene (OMIM: 600900). Pathogenic variants in this gene have been associated with autosomal recessive limb-girdle muscular dystrophy 4. The clinical symptoms reported for this individual are highly specific for autosomal recessive limb-girdle muscular dystrophy 4, which has a limited genetic etiology (PMID: 25862795, 12746421) (PP4). This variant results in loss of the initiation codon; however, the use of an alternative initiation codon further downstream cannot be excluded, and a protein of altered length may be produced (PVS1_Moderate). This variant has been identified in the homozygous or compound heterozygous state in at least 6 individuals reported in the published literature (PMID: 25862795, 25862795) (PM3) and has a 0.0093% maximum allele frequency in non-founder control populations (PM2). Based on the current evidence, this variant is classified as likely pathogenic for autosomal recessive limb-girdle muscular dystrophy 4.

Fulgent Genetics
Classification: Pathogenic for Autosomal recessive limb-girdle muscular dystrophy type 2E. Last evaluated: 2024-06-03. Review status: criteria provided, single submitter. Criteria: ACMG Guidelines, 2015. Collection method: clinical testing. Allele origin: germline.

Revvity Omics, Revvity
Classification: Likely pathogenic for Autosomal recessive limb-girdle muscular dystrophy type 2E. Last evaluated: 2024-04-11. Review status: criteria provided, single submitter. Criteria: ACMG Guidelines, 2015. Collection method: clinical testing. Allele origin: germline.

Natera, Inc.
Classification: Likely pathogenic for Limb-girdle muscular dystrophy type 2E. Last evaluated: 2024-02-27. Review status: criteria provided, single submitter. Criteria: Natera Variant Classification Schema (03/2026). Collection method: clinical testing. Allele origin: germline.
Comment: The c.-10_22dupGCGCGGGAAGATGGCGGCAGCGGCGGCGGCGG variant in SGCB is predicted to result in start loss due to disruption of the initiator methionine. This variant is expected to result in nonsense mediated decay, truncation, or a dysfunctional protein product. This variant is rare in the general population with a frequency below the threshold expected for the associated phenotype(s). This variant has been observed in one or more individuals affected with the associated recessive disease, as either homozygous or compound heterozygous with a second variant (PMID: 12746421, 25862795, 18285821). Functional studies show that this variant may disrupt protein function (PMID: 12746421, 19287313). Given the available evidence, this variant is classified as Likely Pathogenic.

Baylor Genetics
Classification: Pathogenic for Autosomal recessive limb-girdle muscular dystrophy type 2E. Last evaluated: 2024-01-04. Review status: criteria provided, single submitter. Criteria: ACMG Guidelines, 2015. Collection method: clinical testing. Allele origin: unknown.

Blueprint Genetics
Classification: Likely pathogenic for SGCB-related disorders. Last evaluated: 2022-10-21. Review status: criteria provided, single submitter. Criteria: ACMG Guidelines, 2015. Collection method: clinical testing. Allele origin: germline. Affected: yes. Observed: 3 variant alleles.

Eurofins Ntd Llc (ga)
Classification: Uncertain significance. Last evaluated: 2015-08-21. Review status: criteria provided, single submitter. Criteria: EGL Classification Definitions 2015. Collection method: clinical testing. Allele origin: germline. Observed: 2 variant alleles, 2 heterozygotes.

Literature cited by the submitters: PubMed 12746421 (cited by 4 submitters); PubMed 25862795 (cited by 4 submitters); PubMed 18285821 (cited by Natera, Inc.); PubMed 19287313 (cited by Natera, Inc.).